The following is an entry in ClinVar:

ClinVar aggregate classification (germline): Uncertain significance (1 of 4 stars; one submission).

Conditions:
Neuronopathy, distal hereditary motor, autosomal recessive 5. Also called: Spinal muscular atrophy, distal, autosomal recessive, 5; NEUROPATHY, DISTAL HEREDITARY MOTOR, AUTOSOMAL RECESSIVE 5; Young adult-onset distal hereditary motor neuropathy. Identifiers: Orphanet 314485, Orphanet 443950, MedGen C4749918, MONDO:0013947, OMIM 614881.

Allele frequency attached by ClinVar (database versions not stated): TOPMed below 0.00001; ExAC 0.00001; gnomAD exomes below 0.00001.
gnomAD v4.1: 1 of 1,611,668 alleles (0.000062%); highest among the groups gnomAD compares: African/African-American, 0.0013%; no homozygotes.

Submission:

Labcorp Genetics (formerly Invitae), Labcorp
Classification: Uncertain significance for Neuronopathy, distal hereditary motor, autosomal recessive 5. Last evaluated: 2021-05-30. Review status: criteria provided, single submitter. Criteria: Invitae Variant Classification Sherloc (09022015). Collection method: clinical testing. Allele origin: germline.
Comment: This sequence change falls in intron 9 of the DNAJB2 gene. It does not directly change the encoded amino acid sequence of the DNAJB2 protein. It affects a nucleotide within the consensus splice site of the intron. This variant is present in population databases (rs753991111, ExAC 0.01%). This variant has not been reported in the literature in individuals with DNAJB2-related conditions. Nucleotide substitutions within the consensus splice site are a relatively common cause of aberrant splicing (PMID: 17576681, 9536098). Algorithms developed to predict the effect of sequence changes on RNA splicing suggest that this variant is not likely to affect RNA splicing, but this prediction has not been confirmed by published transcriptional studies. In summary, the available evidence is currently insufficient to determine the role of this variant in disease. Therefore, it has been classified as a Variant of Uncertain Significance.

Literature cited by the submitters: PubMed 17576681; PubMed 9536098.

NM_006736.6(DNAJB2):c.827G>A (p.Gly276Glu)

Gene: DNAJB2 (DnaJ heat shock protein family (Hsp40) member B2; plus strand). Cytogenetic location: 2q35.
Variant type: single nucleotide variant.
Coding change: c.827G>A on transcript NM_006736.6 (MANE Select); coding-DNA position 827, G replaced by A.
Protein change: p.Gly276Glu; replaces glycine 276 with glutamic acid.
Molecular consequence: missense variant. On other transcripts: intron variant (1).
Genome position (GRCh38, 1-based): chr2:219,284,839, G>A. VCF-style: chr2-219284839-G-A. GRCh37 (hg19) VCF-style: chr2-220149561-G-A.
Other names: c.823+4G>A (NM_001039550.2); short protein forms G276E.
Identifiers: ClinVar variation 1356435 (VCV001356435.6), dbSNP rs753991111, ClinGen allele CA2123110.
Genomic context (GRCh38, chr2:219,284,839, plus strand): 5'-AGCTGGCCATGGCCTACAGCCTGTCAGAGATGGAGGCAGCTGGGAAGAAACCCGCAGGTG[G>A]GCGGGAGGCACAGCACCGACGGCAGGGGCGGCCCAAGGCCCAGCACCAAGATCCAGGCTT-3'
Protein context (NP_006727.2, residues 266-286): MEAAGKKPAG[Gly276Glu]REAQHRRQGR